The following is an entry in ClinVar:

NM_014233.4(UBTF):c.769G>A (p.Glu257Lys)

Genes: ATXN7L3-AS1 (ATXN7L3 antisense RNA 1; plus strand), UBTF (upstream binding transcription factor; minus strand). Cytogenetic location: 17q21.31.
Variant type: single nucleotide variant.
Coding change: c.769G>A on transcript NM_014233.4 (MANE Select); coding-DNA position 769, G replaced by A.
Protein change: p.Glu257Lys; replaces glutamic acid 257 with lysine.
Molecular consequence: missense variant. On other transcripts: non-coding transcript variant (1), intron variant (2).
Genome position (GRCh38, 1-based): chr17:44,212,346, C>T on the plus strand (G>A on the coding strand, the complement: UBTF is on the minus strand). VCF-style: chr17-44212346-C-T. GRCh37 (hg19) VCF-style: chr17-42289714-C-T.
Other names: c.661-340G>A (NM_001076683.2, NM_001076684.3); short protein forms E257K.
Identifiers: ClinVar variation 3573614 (VCV003573614.1).

ClinVar aggregate classification (germline): Uncertain significance (1 of 4 stars; one submission).

Submission:

GeneDx
Classification: Uncertain significance. Last evaluated: 2024-07-16. Review status: criteria provided, single submitter. Criteria: GeneDx Variant Classification Process June 2021. Collection method: clinical testing. Allele origin: germline. Affected: yes.
Comment: Not observed at significant frequency in large population cohorts (gnomAD); In silico analysis indicates that this missense variant does not alter protein structure/function; Has not been previously published as pathogenic or benign to our knowledge